The following is an entry in ClinVar:

NC_000020.10:g.(?_62309478)_(62324656_?)del

Gene: RTEL1 (regulator of telomere elongation helicase 1; plus strand). Cytogenetic location: 20q13.33.
Variant type: Deletion.
Identifiers: ClinVar variation 3248300 (VCV003248300.1).

ClinVar aggregate classification (germline): Pathogenic (1 of 4 stars; one submission).

Conditions:
Dyskeratosis congenita, autosomal recessive 5 (DKCB5). Identifiers: MedGen C3554656, MONDO:0014076, OMIM 615190.
Pulmonary fibrosis and/or bone marrow failure, Telomere-related, 3. Also called: PULMONARY FIBROSIS AND/OR BONE MARROW FAILURE SYNDROME, TELOMERE-RELATED, 3. Identifiers: Orphanet 2032, MedGen C4225346, MONDO:0014613, OMIM 616373.

Submission:

Labcorp Genetics (formerly Invitae), Labcorp
Classification: Pathogenic for Dyskeratosis congenita, autosomal recessive 5; Pulmonary fibrosis and/or bone marrow failure, Telomere-related, 3. Last evaluated: 2022-12-25. Review status: criteria provided, single submitter. Criteria: Invitae Variant Classification Sherloc (09022015). Collection method: clinical testing. Allele origin: unknown.
Comment: For these reasons, this variant has been classified as Pathogenic. This variant disrupts a region of the RTEL1 protein in which other variant(s) (p.Met492Ile) have been determined to be pathogenic (PMID: 19461895, 23453664, 23959892, 27418648). This suggests that this is a clinically significant region of the protein, and that variants that disrupt it are likely to be disease-causing. This variant has not been reported in the literature in individuals affected with RTEL1-related conditions. This variant is a gross deletion of the genomic region encompassing exon(s) 11-30 of the RTEL1 gene. This variant would be expected to be in-frame, preserving the integrity of the reading frame.

Literature cited by the submitters: PubMed 19461895; PubMed 23453664; PubMed 23959892; PubMed 27418648.